The following is an entry in ClinVar:

NM_003579.4(RAD54L):c.1850A>G (p.Tyr617Cys)

Gene: RAD54L (RAD54 like; plus strand). Cytogenetic location: 1p34.1.
Variant type: single nucleotide variant.
Coding change: c.1850A>G on transcript NM_003579.4 (MANE Select); coding-DNA position 1850, A replaced by G.
Protein change: p.Tyr617Cys; replaces tyrosine 617 with cysteine.
Molecular consequence: missense variant.
Genome position (GRCh38, 1-based): chr1:46,274,698, A>G. VCF-style: chr1-46274698-A-G. GRCh37 (hg19) VCF-style: chr1-46740370-A-G.
Other names: c.1850A>G, p.Tyr617Cys (NM_001142548.2); c.1310A>G, p.Tyr437Cys (NM_001370766.1); short protein forms Y437C, Y617C.
Identifiers: ClinVar variation 1781311 (VCV001781311.2), dbSNP rs745383218, ClinGen allele CA834727.

ClinVar aggregate classification (germline): Uncertain significance (1 of 4 stars; one submission).

Allele frequency attached by ClinVar (database versions not stated): gnomAD exomes below 0.00001; ExAC 0.00001; gnomAD 0.00001; TOPMed 0.00001.
gnomAD v4.1: 9 of 1,613,978 alleles (0.00056%); highest among the groups gnomAD compares: Middle Eastern, 0.017%; no homozygotes.

Submission:

Ambry Genetics
Classification: Uncertain significance. Last evaluated: 2023-10-11. Review status: criteria provided, single submitter. Criteria: Ambry Variant Classification Scheme 2023. Collection method: clinical testing. Allele origin: germline.
Comment: The p.Y617C variant (also known as c.1850A>G), located in coding exon 16 of the RAD54L gene, results from an A to G substitution at nucleotide position 1850. The tyrosine at codon 617 is replaced by cysteine, an amino acid with highly dissimilar properties. This amino acid position is conserved. In addition, the in silico prediction for this alteration is inconclusive. Since supporting evidence is limited at this time, the clinical significance of this alteration remains unclear.